The following is an entry in ClinVar:

NM_017649.5(CNNM2):c.12T>A (p.Cys4Ter)

Gene: CNNM2 (cyclin and CBS domain divalent metal cation transport mediator 2; plus strand). Cytogenetic location: 10q24.32.
Variant type: single nucleotide variant.
Coding change: c.12T>A on transcript NM_017649.5 (MANE Select); coding-DNA position 12, T replaced by A.
Protein change: p.Cys4Ter; replaces cysteine 4 with a stop codon.
Molecular consequence: nonsense.
Genome position (GRCh38, 1-based): chr10:102,918,492, T>A. VCF-style: chr10-102918492-T-A. GRCh37 (hg19) VCF-style: chr10-104678249-T-A.
Other names: c.12T>A, p.Cys4Ter (NM_199076.3, NM_199077.3); short protein forms C4*.
Identifiers: ClinVar variation 2864063 (VCV002864063.3), dbSNP rs762143326, ClinGen allele CA377953567.

ClinVar aggregate classification (germline): Pathogenic (1 of 4 stars; one submission).

gnomAD v4.1: 2 of 1,606,960 alleles (0.00012%); highest among the groups gnomAD compares: South Asian, 0.0022%; no homozygotes.

Submission:

Labcorp Genetics (formerly Invitae), Labcorp
Classification: Pathogenic. Last evaluated: 2024-04-25. Review status: criteria provided, single submitter. Criteria: Invitae Variant Classification Sherloc (09022015). Collection method: clinical testing. Allele origin: germline.
Comment: This sequence change creates a premature translational stop signal (p.Cys4*) in the CNNM2 gene. It is expected to result in an absent or disrupted protein product. Loss-of-function variants in CNNM2 are known to be pathogenic (PMID: 21397062, 24699222). This variant is not present in population databases (gnomAD no frequency). This variant has not been reported in the literature in individuals affected with CNNM2-related conditions. For these reasons, this variant has been classified as Pathogenic.

Literature cited by the submitters: PubMed 21397062; PubMed 24699222.